The following is an entry in ClinVar:

ClinVar aggregate classification (germline): Uncertain significance. Review status: criteria provided, multiple submitters, no conflicts (2 of 4 stars). 4 submissions from 4 submitters: Uncertain significance (4). Last evaluated 2025-11-03.

Conditions:
Ehlers-Danlos syndrome, classic type (cEDS). Identifiers: Orphanet 287, MedGen C4225429, MONDO:0007522.
Ehlers-Danlos syndrome, arthrochalasia type. Also called: Ehlers-Danlos syndrome, arthrochalasis type; ARTHROCHALASIS MULTIPLEX CONGENITA; EDS VII, MUTANT PROCOLLAGEN TYPE; EDS VIIA; Ehlers-Danlos syndrome, arthrochalasia type, 1. Identifiers: Orphanet 1899, Orphanet 99875, Orphanet 99876, MedGen C4551623, MONDO:0007525, OMIM 130060.
Osteogenesis imperfecta (OI). Identifiers: Orphanet 666, MedGen C0029434, MeSH D010013, MONDO:0019019.
Combined osteogenesis imperfecta and Ehlers-Danlos syndrome 1. Also called: OIEDS SYNDROME 1. Identifiers: MedGen C5436842, MONDO:0030854, OMIM 619115.
COL1A1-related disorder. Also called: COL1A1-related condition; COL1A1- related disease.
Osteogenesis imperfecta type I (OI1). Also called: OI, TYPE I; OSTEOGENESIS IMPERFECTA TARDA; OSTEOGENESIS IMPERFECTA WITH BLUE SCLERAE; Lobstein's Disease; Osteogenesis imperfecta type 1; Lobstein disease. Identifiers: Orphanet 216796, Orphanet 666, MedGen C0023931, MONDO:0008146, OMIM 166200. Disease mechanism: loss of function.

Allele frequency attached by ClinVar (database versions not stated): ExAC 0.00001; gnomAD 0.00001 and 0.00002; gnomAD exomes 0.00002; TOPMed 0.00002; 1000 Genomes Project 30x 0.00016; 1000 Genomes Project 0.00020.
gnomAD v4.1: 36 of 1,614,190 alleles (0.0022%); highest among the groups gnomAD compares: East Asian, 0.0045%; no homozygotes.

Submissions (4):

PreventionGenetics, part of Exact Sciences
Classification: Uncertain significance for COL1A1-related condition. Last evaluated: 2025-11-03. Review status: criteria provided, single submitter. Criteria: ACMG Guidelines, 2015. Collection method: clinical testing. Allele origin: germline.
Comment: The COL1A1 c.862G>A variant is predicted to result in the amino acid substitution p.Glu288Lys. This variant has been reported in an individual with osteogenesis imperfecta type I, who also carried a rare COL1A1 c.3657T>G (p.Asp1219Glu) variant (Pollitt et al. 2006. PubMed ID: 16786509). An alternative substitution at the same amino acid (p.Glu288Ala) has been reported in an individual with osteogenesis imperfecta type II, who also carried a likely pathogenic COL1A1 p.Gly875Ser variant (Bodian et al. 2009. PubMed ID: 18996919). This variant is reported in 0.0065% of alleles in individuals of South Asian descent in gnomAD. Although this variant could be benign, its clinical significance remains uncertain due to the absence of conclusive functional and genetic evidence.

Labcorp Genetics (formerly Invitae), Labcorp
Classification: Uncertain significance for Osteogenesis imperfecta type I. Last evaluated: 2025-03-11. Review status: criteria provided, single submitter. Criteria: Invitae Variant Classification Sherloc (09022015). Collection method: clinical testing. Allele origin: germline.
Comment: This sequence change replaces glutamic acid, which is acidic and polar, with lysine, which is basic and polar, at codon 288 of the COL1A1 protein (p.Glu288Lys). This variant is present in population databases (rs72645341, gnomAD 0.006%). This missense change has been observed in individual(s) with osteogenesis imperfecta (PMID: 16786509). ClinVar contains an entry for this variant (Variation ID: 1326536). Invitae Evidence Modeling of protein sequence and biophysical properties (such as structural, functional, and spatial information, amino acid conservation, physicochemical variation, residue mobility, and thermodynamic stability) indicates that this missense variant is expected to disrupt COL1A1 protein function with a positive predictive value of 80%. In summary, the available evidence is currently insufficient to determine the role of this variant in disease. Therefore, it has been classified as a Variant of Uncertain Significance.

CeGaT Center for Human Genetics Tuebingen
Classification: Uncertain significance. Last evaluated: 2024-04-01. Review status: criteria provided, single submitter. Criteria: CeGaT Center For Human Genetics Tuebingen Variant Classification Criteria Version 2. Collection method: clinical testing. Allele origin: germline. Affected: yes. Observed: 2 variant alleles.
Comment: COL1A1: PP2, PP3, PP4, BP5

GeneDx
Classification: Uncertain significance. Last evaluated: 2023-04-03. Review status: criteria provided, single submitter. Criteria: GeneDx Variant Classification Process June 2021. Collection method: clinical testing. Allele origin: germline. Affected: yes.
Comment: Reported in a proband with OI type 1, who harbored an additional COL1A1 variant that segregated with disease in several affected family members, whereas p.(E288K) was identified in the proband's unaffected parent (Pollitt et al., 2006); Not observed at significant frequency in large population cohorts (gnomAD); In silico analysis supports that this missense variant has a deleterious effect on protein structure/function; Occurs in the triple helical domain at the X position in the canonical Gly-X-Y repeat; although this variant may have an effect on normal protein folding and function, missense substitution at the X position is not a common mechanism of disease (HGMD); This variant is associated with the following publications: (PMID: 16786509, 18996919)

Literature cited by the submitters: PubMed 16786509 (cited by Labcorp Genetics (formerly Invitae), Labcorp).

NM_000088.4(COL1A1):c.862G>A (p.Glu288Lys)

Genes: COL1A1 (collagen type I alpha 1 chain; minus strand), LOC126862586 (CDK7 strongly-dependent group 2 enhancer GRCh37_chr17:48273702-48274901; plus strand). Cytogenetic location: 17q21.33.
Variant type: single nucleotide variant.
Coding change: c.862G>A on transcript NM_000088.4 (MANE Select); coding-DNA position 862, G replaced by A.
Protein change: p.Glu288Lys; replaces glutamic acid 288 with lysine.
Molecular consequence: missense variant.
Genome position (GRCh38, 1-based): chr17:50,196,525, C>T on the plus strand (G>A on the coding strand, the complement: COL1A1 is on the minus strand). VCF-style: chr17-50196525-C-T. GRCh37 (hg19) VCF-style: chr17-48273886-C-T.
Other names: short protein forms E288K.
Identifiers: ClinVar variation 1326536 (VCV001326536.34), dbSNP rs72645341, ClinGen allele CA8645509.